The following is an entry in ClinVar:

NM_174936.4(PCSK9):c.886G>A (p.Val296Ile)

Gene: PCSK9 (proprotein convertase subtilisin/kexin type 9; plus strand). Cytogenetic location: 1p32.3.
Variant type: single nucleotide variant.
Coding change: c.886G>A on transcript NM_174936.4 (MANE Select); coding-DNA position 886, G replaced by A.
Protein change: p.Val296Ile; replaces valine 296 with isoleucine.
Molecular consequence: missense variant.
Genome position (GRCh38, 1-based): chr1:55,056,079, G>A. VCF-style: chr1-55056079-G-A. GRCh37 (hg19) VCF-style: chr1-55521752-G-A.
Other names: c.1009G>A, p.Val337Ile (NM_001407240.1); c.886G>A, p.Val296Ile (NM_001407241.1, NM_001407244.1, NM_001407247.1); c.889G>A, p.Val297Ile (NM_001407242.1); c.829G>A, p.Val277Ile (NM_001407243.1); c.694G>A, p.Val232Ile (NM_001407245.1); c.511G>A, p.Val171Ile (NM_001407246.1); short protein forms V296I, V232I, V171I, V277I, V297I, V337I.
Identifiers: ClinVar variation 630155 (VCV000630155.8), dbSNP rs771594920, ClinGen allele CA044969.

ClinVar aggregate classification (germline): Uncertain significance. Review status: criteria provided, multiple submitters, no conflicts (2 of 4 stars). 3 submissions from 3 submitters: Uncertain significance (3). Last evaluated 2025-01-07.

Conditions:
Familial hypercholesterolemia. Also called: Familial hypercholesterolemias; Familial hypercholesterolaemia. Identifiers: MedGen C0020445, MONDO:0005439.
Hypercholesterolemia, autosomal dominant, 3 (FHCL3). Also called: Familial Hypercholesterolemia, Autosomal Dominant, 3; PCSK9-Related Familial Hypercholesterolemia, Autosomal Dominant; Familial hypercholesterolemia 3. Identifiers: MedGen C1863551, MONDO:0011369, OMIM 603776.

Allele frequency attached by ClinVar (database versions not stated): gnomAD 0.00001; gnomAD exomes 0.00001 and 0.00003; TOPMed 0.00002; ExAC 0.00003.
gnomAD v4.1: 9 of 1,596,118 alleles (0.00056%); highest among the groups gnomAD compares: Admixed American, 0.01%; no homozygotes.

Submissions (3):

Labcorp Genetics (formerly Invitae), Labcorp
Classification: Uncertain significance for Hypercholesterolemia, autosomal dominant, 3. Last evaluated: 2025-01-07. Review status: criteria provided, single submitter. Criteria: Invitae Variant Classification Sherloc (09022015). Collection method: clinical testing. Allele origin: germline.
Comment: This sequence change replaces valine, which is neutral and non-polar, with isoleucine, which is neutral and non-polar, at codon 296 of the PCSK9 protein (p.Val296Ile). This variant is present in population databases (rs771594920, gnomAD 0.02%). This variant has not been reported in the literature in individuals affected with PCSK9-related conditions. ClinVar contains an entry for this variant (Variation ID: 630155). Invitae Evidence Modeling of protein sequence and biophysical properties (such as structural, functional, and spatial information, amino acid conservation, physicochemical variation, residue mobility, and thermodynamic stability) indicates that this missense variant is not expected to disrupt PCSK9 protein function with a negative predictive value of 80%. In summary, the available evidence is currently insufficient to determine the role of this variant in disease. Therefore, it has been classified as a Variant of Uncertain Significance.

Color Diagnostics, LLC DBA Color Health
Classification: Uncertain significance for Familial hypercholesterolemia. Last evaluated: 2024-03-07. Review status: criteria provided, single submitter. Criteria: ACMG Guidelines, 2015. Collection method: clinical testing. Allele origin: germline.
Comment: This missense variant replaces valine with isoleucine at codon 296 of the PCSK9 protein. Computational prediction suggests that this variant may not impact protein structure and function (internally defined REVEL score threshold <= 0.5, PMID: 27666373). To our knowledge, functional studies have not been reported for this variant. This variant has not been reported in individuals affected with PCSK9-related disorders in the literature. This variant has been identified in 6/232584 chromosomes in the general population by the Genome Aggregation Database (gnomAD). The available evidence is insufficient to determine the role of this variant in disease conclusively. Therefore, this variant is classified as a Variant of Uncertain Significance.

All of Us Research Program, National Institutes of Health
Classification: Uncertain significance for Hypercholesterolemia, autosomal dominant, 3. Last evaluated: 2023-12-01. Review status: criteria provided, single submitter. Criteria: ACMG Guidelines, 2015. Collection method: clinical testing. Allele origin: germline. Inheritance: Autosomal dominant inheritance. Observed: 5 variant alleles, 5 heterozygotes.
Comment: Variant of Uncertain Significance due to insufficient evidence: This missense variant is located in the catalytic peptidase domain of the PCSK9 protein. Computational prediction tools and conservation analyses suggest that this variant may not impact the protein function. Computational splicing tools suggest that this variant may not impact the RNA splicing. To our knowledge, functional assays have not been performed for this variant nor has this variant been reported in individuals affected with familial hypercholesterolemia in the literature. This variant has been identified in 6/227772 chromosomes in the general population by the Genome Aggregation Database (gnomAD). Available evidence is insufficient to determine the pathogenicity of this variant conclusively.

This study involves interpretation of variants in research participants for the purpose of population health screening. Participant phenotype was not available at the time of variant classification. Additional details can be found in publication PMID: 35346344, PMCID: PMC8962531